The following is an entry in ClinVar:

NM_001358689.2(TUBB8B):c.627C>T (p.Asp209=)

Gene: TUBB8B (tubulin beta 8B; minus strand). Cytogenetic location: 18p11.32.
Variant type: single nucleotide variant.
Coding change: c.627C>T on transcript NM_001358689.2 (MANE Select); coding-DNA position 627, C replaced by T.
Protein change: p.Asp209=; no amino-acid change (aspartic acid 209 retained).
Molecular consequence: synonymous variant.
Genome position (GRCh38, 1-based): chr18:48,098, G>A on the plus strand (C>T on the coding strand, the complement: TUBB8B is on the minus strand). VCF-style: chr18-48098-G-A. GRCh37 (hg19) VCF-style: chr18-48098-G-A.
Other names: c.411C>T, p.Asp137= (NM_001389609.1); c.474C>T, p.Asp158= (NM_001389610.1).
Identifiers: ClinVar variation 2648507 (VCV002648507.24), dbSNP rs757502371, ClinGen allele CA8864968.

ClinVar aggregate classification (germline): Likely benign (1 of 4 stars; one submission).

Allele frequency attached by ClinVar (database versions not stated): gnomAD 0.00034; ExAC 0.00122.

Submission:

CeGaT Center for Human Genetics Tuebingen
Classification: Likely benign. Last evaluated: 2023-01-01. Review status: criteria provided, single submitter. Criteria: CeGaT Center For Human Genetics Tuebingen Variant Classification Criteria Version 2. Collection method: clinical testing. Allele origin: germline. Affected: yes. Observed: 1 variant allele.
Comment: TUBB8B: BP4, BP7